The following is an entry in ClinVar:

NM_000256.3(MYBPC3):c.2950C>G (p.Gln984Glu)

Gene: MYBPC3 (myosin binding protein C3; minus strand). Cytogenetic location: 11p11.2.
Variant type: single nucleotide variant.
Coding change: c.2950C>G on transcript NM_000256.3 (MANE Select); coding-DNA position 2950, C replaced by G.
Protein change: p.Gln984Glu; replaces glutamine 984 with glutamic acid.
Molecular consequence: missense variant.
Genome position (GRCh38, 1-based): chr11:47,333,966, G>C on the plus strand (C>G on the coding strand, the complement: MYBPC3 is on the minus strand). VCF-style: chr11-47333966-G-C. GRCh37 (hg19) VCF-style: chr11-47355517-G-C.
Other names: short protein forms Q984E.
Identifiers: ClinVar variation 2838610 (VCV002838610.3), dbSNP rs1555120651, ClinGen allele CA380315909.

ClinVar aggregate classification (germline): Uncertain significance (1 of 4 stars; one submission).

Conditions:
Hypertrophic cardiomyopathy. Also called: HYPERTROPHIC MYOCARDIOPATHY. Identifiers: Orphanet 217569, MedGen C0007194, MeSH D002312, MONDO:0005045, HP:0001639.

Submission:

Labcorp Genetics (formerly Invitae), Labcorp
Classification: Uncertain significance for Hypertrophic cardiomyopathy. Last evaluated: 2023-02-24. Review status: criteria provided, single submitter. Criteria: Invitae Variant Classification Sherloc (09022015). Collection method: clinical testing. Allele origin: germline.
Comment: In summary, the available evidence is currently insufficient to determine the role of this variant in disease. Therefore, it has been classified as a Variant of Uncertain Significance. An algorithm developed to predict the effect of missense changes on protein structure and function (PolyPhen-2) suggests that this variant is likely to be tolerated. This variant has not been reported in the literature in individuals affected with MYBPC3-related conditions. This variant is not present in population databases (gnomAD no frequency). This sequence change replaces glutamine, which is neutral and polar, with glutamic acid, which is acidic and polar, at codon 984 of the MYBPC3 protein (p.Gln984Glu).